The following is an entry in ClinVar:

NM_001374828.1(ARID1B):c.190GGC[5] (p.Gly67_Leu68insGly)

Genes: ARID1B (AT-rich interaction domain 1B; plus strand), LOC115308161 (uncharacterized LOC115308161; minus strand), LOC129997523 (ATAC-STARR-seq lymphoblastoid silent region 17710; plus strand). Cytogenetic location: 6q25.3.
Variant type: Microsatellite.
Coding change: c.190GGC[5] on transcript NM_001374828.1 (MANE Select); five copies in a row of the 3-base unit GGC starting at c.190; the reference has four copies in a row; one copy, 3 bases duplicated.
Protein change: p.Gly67_Leu68insGly.
Molecular consequence: inframe insertion.
Genome position (GRCh38, 1-based): chr6:156,777,879-156,777,881, GGC duplicated; duplicating any 3 consecutive bases within chr6:156,777,869-156,777,881 gives the same sequence; the position shown is the placement nearest the transcript's 3' end. VCF-style (leftmost placement, unchanged base first): chr6-156777868-A-ACGG. GRCh37 (hg19) VCF-style: chr6-157099002-A-ACGG.
Other names: c.190GGC[5], p.Gly67_Leu68insGly (NM_001371656.1, NM_001374820.1, NM_001438482.1 and 9 more transcripts).
Identifiers: ClinVar variation 4822101 (VCV004822101.4).
Genomic context (GRCh38, chr6:156,777,868, plus strand): 5'-GGGCGCGCGGCGCGGCGGCGGCGGCGGCGGCACCGGGACCCATGCTGGGGGGCGGCGGCG[A>ACGG]CGGCGGCGGCGGCCTGAACAGTGTGCACCACCACCCCCTGCTCCCCCGTCACGAACTCAA-3'

ClinVar aggregate classification (germline): Likely benign (1 of 4 stars; one submission).

Submission:

CeGaT Center for Human Genetics Tuebingen
Classification: Likely benign. Last evaluated: 2026-03-01. Review status: criteria provided, single submitter. Criteria: CeGaT Center For Human Genetics Tuebingen Variant Classification Criteria Version 2. Collection method: clinical testing. Allele origin: germline. Affected: yes. Observed: 1 variant allele.
Comment: ARID1B: BS2